The following is an entry in ClinVar:

ClinVar aggregate classification (germline): Uncertain significance. Review status: criteria provided, multiple submitters, no conflicts (2 of 4 stars). 2 submissions from 2 submitters: Uncertain significance (2). Last evaluated 2023-08-25.

Submissions (2):

Blueprint Genetics
Classification: Uncertain significance. Last evaluated: 2023-08-25. Review status: criteria provided, single submitter. Criteria: ACMG Guidelines, 2015. Collection method: clinical testing. Allele origin: germline.

Labcorp Genetics (formerly Invitae), Labcorp
Classification: Uncertain significance. Last evaluated: 2022-03-22. Review status: criteria provided, single submitter. Criteria: Invitae Variant Classification Sherloc (09022015). Collection method: clinical testing. Allele origin: germline.
Comment: This sequence change creates a premature translational stop signal (p.Trp1820Leufs*5) in the GPR179 gene. While this is not anticipated to result in nonsense mediated decay, it is expected to disrupt the last 548 amino acid(s) of the GPR179 protein. This variant is present in population databases (rs747584626, gnomAD 0.01%). In summary, the available evidence is currently insufficient to determine the role of this variant in disease. Therefore, it has been classified as a Variant of Uncertain Significance. Experimental studies and prediction algorithms are not available or were not evaluated, and the functional significance of this variant is currently unknown. ClinVar contains an entry for this variant (Variation ID: 1034817). This variant has not been reported in the literature in individuals affected with GPR179-related conditions.

NM_001004334.4(GPR179):c.5457dup (p.Trp1820fs)

Gene: GPR179 (G protein-coupled receptor 179; minus strand). Cytogenetic location: 17q12.
Variant type: Duplication.
Coding change: c.5457dup on transcript NM_001004334.4 (MANE Select); coding-DNA position 5457, one base duplicated (C; older notation c.5457dupC).
Protein change: p.Trp1820fs; shifts the reading frame from tryptophan 1820.
Molecular consequence: frameshift variant.
Genome position (GRCh38, 1-based): chr17:38,328,112, G duplicated on the plus strand (C on the coding strand, the reverse complement: GPR179 is on the minus strand); the first of 3 consecutive G bases (chr17:38,328,112-38,328,114); duplicating any one gives the same sequence. VCF-style (leftmost placement, unchanged base first): chr17-38328111-A-AG. GRCh37 (hg19) VCF-style: chr17-36483994-A-AG.
Other names: short protein forms W1820fs.
Identifiers: ClinVar variation 1034817 (VCV001034817.5), dbSNP rs747584626, ClinGen allele CA290103549.